The following is an entry in ClinVar:

NM_002334.4(LRP4):c.4949T>G (p.Leu1650Arg)

Genes: LRP4 (LDL receptor related protein 4; minus strand), LRP4-AS1 (LRP4 antisense RNA 1; plus strand). Cytogenetic location: 11p11.2.
Variant type: single nucleotide variant.
Coding change: c.4949T>G on transcript NM_002334.4 (MANE Select); coding-DNA position 4949, T replaced by G.
Protein change: p.Leu1650Arg; replaces leucine 1650 with arginine.
Molecular consequence: missense variant.
Genome position (GRCh38, 1-based): chr11:46,868,602, A>C on the plus strand (T>G on the coding strand, the complement: LRP4 is on the minus strand). VCF-style: chr11-46868602-A-C. GRCh37 (hg19) VCF-style: chr11-46890153-A-C.
Other names: short protein forms L1650R.
Identifiers: ClinVar variation 1994719 (VCV001994719.4), dbSNP rs2539712102, ClinGen allele CA380263412.

ClinVar aggregate classification (germline): Uncertain significance (1 of 4 stars; one submission).

Conditions:
Cenani-Lenz syndactyly syndrome. Also called: SYNDACTYLY, TYPE VII; CENANI SYNDACTYLISM. Identifiers: Orphanet 3258, MedGen C1859309, MONDO:0008931, OMIM 212780.
Sclerosteosis 2 (SOST2). Identifiers: Orphanet 3152, MedGen C3280402, MONDO:0013679, OMIM 614305.
Congenital myasthenic syndrome 17. Identifiers: Orphanet 590, MedGen C4225377, MONDO:0014578, OMIM 616304.

Submission:

Labcorp Genetics (formerly Invitae), Labcorp
Classification: Uncertain significance for Cenani-Lenz syndactyly syndrome; Sclerosteosis 2; Congenital myasthenic syndrome 17. Last evaluated: 2022-09-07. Review status: criteria provided, single submitter. Criteria: Invitae Variant Classification Sherloc (09022015). Collection method: clinical testing. Allele origin: germline.
Comment: This variant has not been reported in the literature in individuals affected with LRP4-related conditions. Algorithms developed to predict the effect of missense changes on protein structure and function are either unavailable or do not agree on the potential impact of this missense change (SIFT: "Deleterious"; PolyPhen-2: "Benign"; Align-GVGD: "Class C0"). In summary, the available evidence is currently insufficient to determine the role of this variant in disease. Therefore, it has been classified as a Variant of Uncertain Significance. This variant is not present in population databases (gnomAD no frequency). This sequence change replaces leucine, which is neutral and non-polar, with arginine, which is basic and polar, at codon 1650 of the LRP4 protein (p.Leu1650Arg).